The following is an entry in ClinVar:

NM_015355.4(SUZ12):c.1308C>T (p.Asn436=)

Gene: SUZ12 (SUZ12 polycomb repressive complex 2 subunit; plus strand). Cytogenetic location: 17q11.2.
Variant type: single nucleotide variant.
Coding change: c.1308C>T on transcript NM_015355.4 (MANE Select); coding-DNA position 1308, C replaced by T.
Protein change: p.Asn436=; no amino-acid change (asparagine 436 retained).
Molecular consequence: synonymous variant.
Genome position (GRCh38, 1-based): chr17:31,993,879, C>T. VCF-style: chr17-31993879-C-T. GRCh37 (hg19) VCF-style: chr17-30320898-C-T.
Other names: c.1239C>T, p.Asn413= (NM_001321207.2).
Identifiers: ClinVar variation 3027034 (VCV003027034.22), dbSNP rs1369290636, ClinGen allele CA499257522.
Genomic context (GRCh38, chr17:31,993,879, plus strand): 5'-TTATGCGTAAATTGGAGATTTGCTTTTTTTTTTTAATTGTTTTTAGTTTCTCTATAACAA[C>T]AATACAAGGCAACAAACTGAAGCAAGAGATGACCTGCATTGCCCTTGGTGTACTCTGAAC-3'
Protein context (NP_056170.2, residues 426-446): LRIFYQFLYN[Asn436=]NTRQQTEARD

ClinVar aggregate classification (germline): Likely benign (1 of 4 stars; one submission).

Allele frequency attached by ClinVar (database versions not stated): gnomAD exomes below 0.00001.
gnomAD v4.1: 2 of 1,607,618 alleles (0.00012%); highest among the groups gnomAD compares: South Asian, 0.0011%; no homozygotes.

Submission:

CeGaT Center for Human Genetics Tuebingen
Classification: Likely benign. Last evaluated: 2024-01-01. Review status: criteria provided, single submitter. Criteria: CeGaT Center For Human Genetics Tuebingen Variant Classification Criteria Version 2. Collection method: clinical testing. Allele origin: germline. Affected: yes. Observed: 1 variant allele.
Comment: SUZ12: BP4, BP7